The following is an entry in ClinVar:

NM_000091.5(COL4A3):c.1729A>T (p.Lys577Ter)

Genes: MFF-DT (MFF divergent transcript; minus strand), COL4A3 (collagen type IV alpha 3 chain; plus strand). Cytogenetic location: 2q36.3.
Variant type: single nucleotide variant.
Coding change: c.1729A>T on transcript NM_000091.5 (MANE Select); coding-DNA position 1729, A replaced by T.
Protein change: p.Lys577Ter; replaces lysine 577 with a stop codon.
Molecular consequence: nonsense.
Genome position (GRCh38, 1-based): chr2:227,270,923, A>T. VCF-style: chr2-227270923-A-T. GRCh37 (hg19) VCF-style: chr2-228135639-A-T.
Other names: short protein forms K577*.
Identifiers: ClinVar variation 1724234 (VCV001724234.2), dbSNP rs2469685114, ClinGen allele CA350871916.
Genomic context (GRCh38, chr2:227,270,923, plus strand): 5'-GGGCTCAGAGGCCAACCTGGGAGAAAGGGCTTGGATGGAATTCCTGGAACTCCGGGAGTG[A>T]AAGGATTACCAGGACCTAAAGGCGAACTGGTTGGTATTTAGCAACTTTACCCTCCCTATA-3'

ClinVar aggregate classification (germline): Likely pathogenic (1 of 4 stars; one submission).

Conditions:
Autosomal recessive Alport syndrome (ATS2). Also called: COL4A3-Related Nephropathy; COL4A4 Alport Syndrome and Thin Basement Membrane Nephropathy; ALPORT SYNDROME 2, AUTOSOMAL RECESSIVE; Alport syndrome type 2. Identifiers: Orphanet 63, Orphanet 88919, MedGen C4746745, MONDO:0008762, OMIM 203780.

Submission:

Myriad Genetics, Inc.
Classification: Likely pathogenic for Autosomal recessive Alport syndrome. Last evaluated: 2022-02-02. Review status: criteria provided, single submitter. Criteria: Myriad Women's Health Autosomal Recessive and X-Linked Classification Criteria (2021). Collection method: clinical testing. Allele origin: unknown.
Comment: NM_000091.4(COL4A3):c.1729A>T(K577*) is expected to be pathogenic in the context of COL4A3-related Alport syndrome. This variant is predicted to lead to an abnormal or absent protein product due to the creation of a premature termination codon in COL4A3, a gene where loss-of-function variants are known to be pathogenic. Please note: this variant was assessed in the context of healthy population screening.